The following is an entry in ClinVar:

NM_004370.6(COL12A1):c.8674A>G (p.Lys2892Glu)

Gene: COL12A1 (collagen type XII alpha 1 chain; minus strand). Cytogenetic location: 6q13.
Variant type: single nucleotide variant.
Coding change: c.8674A>G on transcript NM_004370.6 (MANE Select); coding-DNA position 8674, A replaced by G.
Protein change: p.Lys2892Glu; replaces lysine 2892 with glutamic acid.
Molecular consequence: missense variant.
Genome position (GRCh38, 1-based): chr6:75,091,501, T>C on the plus strand (A>G on the coding strand, the complement: COL12A1 is on the minus strand). VCF-style: chr6-75091501-T-C. GRCh37 (hg19) VCF-style: chr6-75801217-T-C.
Other names: c.8674A>G, p.Lys2892Glu (NM_001424113.1); c.8653A>G, p.Lys2885Glu (NM_001424114.1); c.8401A>G, p.Lys2801Glu (NM_001424115.1); c.5182A>G, p.Lys1728Glu (NM_001424116.1, NM_080645.3); short protein forms K1728E, K2801E, K2885E, K2892E.
Identifiers: ClinVar variation 5037109 (VCV005037109.1).
Genomic context (GRCh38, chr6:75,091,501, plus strand): 5'-TCAATGTTTAACACACAAAATAAACGTAAGATTTTTTAAAAATACATACCCTATCACCTT[T>C]TTCTCCTTTCAACCCAGATGGACCCTGAAAAATATGAATTACATACATTAGAAACTGACA-3'
Protein context (NP_004361.3, residues 2882-2902): RPGPSGLKGE[Lys2892Glu]GDRGDIASQN

ClinVar aggregate classification (germline): Uncertain significance (1 of 4 stars; one submission).

Submission:

GeneDx
Classification: Uncertain significance. Last evaluated: 2026-04-13. Review status: criteria provided, single submitter. Criteria: GeneDx Variant Classification Process June 2021. Collection method: clinical testing. Allele origin: germline.
Comment: Not observed at significant frequency in large population cohorts (gnomAD); In silico analysis supports that this missense variant has a deleterious effect on protein structure/function; Has not been previously published as pathogenic or benign to our knowledge